The following is an entry in ClinVar:

ClinVar aggregate classification (germline): Uncertain significance (1 of 4 stars; one submission).

Conditions:
Inborn genetic diseases. Identifiers: MedGen C0950123, MeSH D030342.

Submission:

Ambry Genetics
Classification: Uncertain significance for Inborn genetic diseases. Last evaluated: 2025-08-08. Review status: criteria provided, single submitter. Criteria: Ambry Variant Classification Scheme 2023. Collection method: clinical testing. Allele origin: germline.
Comment: The p.S619G variant (also known as c.1855A>G), located in coding exon 1 of the SAMD9L gene, results from an A to G substitution at nucleotide position 1855. The serine at codon 619 is replaced by glycine, an amino acid with similar properties. This amino acid position is conserved. In addition, this alteration is predicted to be tolerated by in silico analysis. Based on the available evidence, the clinical significance of this variant remains unclear.

NM_152703.5(SAMD9L):c.1855A>G (p.Ser619Gly)

Gene: SAMD9L (sterile alpha motif domain containing 9 like; minus strand). Cytogenetic location: 7q21.2.
Variant type: single nucleotide variant.
Coding change: c.1855A>G on transcript NM_152703.5 (MANE Select); coding-DNA position 1855, A replaced by G.
Protein change: p.Ser619Gly; replaces serine 619 with glycine.
Molecular consequence: missense variant.
Genome position (GRCh38, 1-based): chr7:93,134,117, T>C on the plus strand (A>G on the coding strand, the complement: SAMD9L is on the minus strand). VCF-style: chr7-93134117-T-C. GRCh37 (hg19) VCF-style: chr7-92763430-T-C.
Other names: c.1855A>G, p.Ser619Gly (NM_001303496.3, NM_001303497.3, NM_001303498.3 and 5 more transcripts); short protein forms S619G.
Identifiers: ClinVar variation 4159382 (VCV004159382.1).